The following is an entry in ClinVar:

NM_139058.3(ARX):c.257G>A (p.Arg86Gln)

Gene: ARX (aristaless related homeobox; minus strand). Cytogenetic location: Xp21.3.
Variant type: single nucleotide variant.
Coding change: c.257G>A on transcript NM_139058.3 (MANE Select); coding-DNA position 257, G replaced by A.
Protein change: p.Arg86Gln; replaces arginine 86 with glutamine.
Molecular consequence: missense variant.
Genome position (GRCh38, 1-based): chrX:25,013,738, C>T on the plus strand (G>A on the coding strand, the complement: ARX is on the minus strand). VCF-style: chrX-25013738-C-T. GRCh37 (hg19) VCF-style: chrX-25031855-C-T.
Other names: short protein forms R86Q.
Identifiers: ClinVar variation 3370162 (VCV003370162.1).

ClinVar aggregate classification (germline): Uncertain significance (1 of 4 stars; one submission).

Submission:

GeneDx
Classification: Uncertain significance. Last evaluated: 2023-12-20. Review status: criteria provided, single submitter. Criteria: GeneDx Variant Classification Process June 2021. Collection method: clinical testing. Allele origin: germline. Affected: yes.
Comment: In silico analysis supports that this missense variant does not alter protein structure/function; Has not been previously published as pathogenic or benign to our knowledge